The following is an entry in ClinVar:

ClinVar aggregate classification (germline): Uncertain significance (1 of 4 stars; one submission).

Allele frequency attached by ClinVar (database versions not stated): gnomAD exomes below 0.00001; TOPMed 0.00001; gnomAD 0.00002.
gnomAD v4.1: 5 of 1,614,078 alleles (0.00031%); highest among the groups gnomAD compares: Admixed American, 0.0017%; no homozygotes.

Submission:

Labcorp Genetics (formerly Invitae), Labcorp
Classification: Uncertain significance. Last evaluated: 2025-03-20. Review status: criteria provided, single submitter. Criteria: Invitae Variant Classification Sherloc (09022015). Collection method: clinical testing. Allele origin: germline.
Comment: This sequence change replaces alanine, which is neutral and non-polar, with glycine, which is neutral and non-polar, at codon 73 of the RGR protein (p.Ala73Gly). This variant is present in population databases (no rsID available, gnomAD 0.003%). This variant has not been reported in the literature in individuals affected with RGR-related conditions. ClinVar contains an entry for this variant (Variation ID: 1000742). Experimental studies and prediction algorithms are not available or were not evaluated, and the functional significance of this variant is currently unknown. In summary, the available evidence is currently insufficient to determine the role of this variant in disease. Therefore, it has been classified as a Variant of Uncertain Significance.

NM_001012720.2(RGR):c.218C>G (p.Ala73Gly)

Gene: RGR (retinal G protein coupled receptor; plus strand). Cytogenetic location: 10q23.1.
Variant type: single nucleotide variant.
Coding change: c.218C>G on transcript NM_001012720.2 (MANE Select); coding-DNA position 218, C replaced by G.
Protein change: p.Ala73Gly; replaces alanine 73 with glycine.
Molecular consequence: missense variant.
Genome position (GRCh38, 1-based): chr10:84,247,729, C>G. VCF-style: chr10-84247729-C-G. GRCh37 (hg19) VCF-style: chr10-86007485-C-G.
Other names: c.218C>G, p.Ala73Gly (NM_001012722.2, NM_002921.4); short protein forms A73G.
Identifiers: ClinVar variation 1000742 (VCV001000742.9), dbSNP rs1410405059, ClinGen allele CA377390922.